The following is an entry in ClinVar:

ClinVar aggregate classification (germline): Uncertain significance. Review status: criteria provided, single submitter (1 of 4 stars). 2 submissions from 2 submitters: Uncertain significance (1). 1 of the submissions does not count toward it. Last evaluated 2024-08-13.

Conditions:
Periventricular nodular heterotopia 6 (PVNH6). Identifiers: Orphanet 2149, MedGen C3809872, MONDO:0014240, OMIM 615544.

Allele frequency attached by ClinVar (database versions not stated): gnomAD exomes below 0.00001.
gnomAD v4.1: 2 of 1,614,084 alleles (0.00012%); highest among the groups gnomAD compares: Non-Finnish European, 0.00017%; no homozygotes.

Submissions (2):

Labcorp Genetics (formerly Invitae), Labcorp
Classification: Uncertain significance. Last evaluated: 2024-08-13. Review status: criteria provided, single submitter. Criteria: Invitae Variant Classification Sherloc (09022015). Collection method: clinical testing. Allele origin: germline.
Comment: This sequence change replaces glutamic acid, which is acidic and polar, with glutamine, which is neutral and polar, at codon 105 of the ERMARD protein (p.Glu105Gln). This variant is not present in population databases (gnomAD no frequency). This variant has not been reported in the literature in individuals affected with ERMARD-related conditions. ClinVar contains an entry for this variant (Variation ID: 977896). An algorithm developed to predict the effect of missense changes on protein structure and function outputs the following: PolyPhen-2: "Benign". The glutamine amino acid residue is found in multiple mammalian species, which suggests that this missense change does not adversely affect protein function. In summary, the available evidence is currently insufficient to determine the role of this variant in disease. Therefore, it has been classified as a Variant of Uncertain Significance.

Service de Génétique Moléculaire, Hôpital Robert Debré
Classification: Likely benign for Periventricular nodular heterotopia 6. Review status: no assertion criteria provided. Collection method: clinical testing. Allele origin: unknown. Affected: yes. Not counted in ClinVar's aggregate classification.

NM_018341.3(ERMARD):c.313G>C (p.Glu105Gln)

Gene: ERMARD (ER membrane associated RNA degradation; plus strand). Cytogenetic location: 6q27.
Variant type: single nucleotide variant.
Coding change: c.313G>C on transcript NM_018341.3 (MANE Select); coding-DNA position 313, G replaced by C.
Protein change: p.Glu105Gln; replaces glutamic acid 105 with glutamine.
Molecular consequence: missense variant. On other transcripts: 5 prime UTR variant (1).
Genome position (GRCh38, 1-based): chr6:169,755,420, G>C. VCF-style: chr6-169755420-G-C. GRCh37 (hg19) VCF-style: chr6-170155516-G-C.
Other names: c.313G>C, p.Glu105Gln (NM_001278531.2, NM_001278533.2); c.-66G>C (NM_001278532.2); short protein forms E105Q.
Identifiers: ClinVar variation 977896 (VCV000977896.3), dbSNP rs2537407673, ClinGen allele CA366504813.
Genomic context (GRCh38, chr6:169,755,420, plus strand): 5'-CTGACCAAGGGGCAATTTGAAATTCGATATGCACCGTGGTTCCAGTGGACAAGTTTTCCA[G>C]AGGTTTGGCTTTTGAACAACCTTTAGAAATAAAAGACTGTGCGAATACTACTTAGAGGAC-3'
Protein context (NP_060811.1, residues 95-115): APWFQWTSFP[Glu105Gln]LFPEIFDALE